The following is an entry in ClinVar:

NM_001165963.4(SCN1A):c.1662+1G>A

Gene: SCN1A (sodium voltage-gated channel alpha subunit 1; minus strand). Cytogenetic location: 2q24.3.
Variant type: single nucleotide variant.
Coding change: c.1662+1G>A on transcript NM_001165963.4 (MANE Select); the canonical splice donor site of the intron after coding-DNA position 1662, G replaced by A.
Molecular consequence: splice donor variant.
Genome position (GRCh38, 1-based): chr2:166,045,042, C>T on the plus strand (G>A on the coding strand, the complement: SCN1A is on the minus strand). VCF-style: chr2-166045042-C-T. GRCh37 (hg19) VCF-style: chr2-166901552-C-T.
Other names: c.1662+1G>A (NM_001353949.2, NM_001353958.2, NM_001353950.2 and 7 more transcripts); c.1659+1G>A (NM_001353955.2, NM_001353960.2, NM_001353954.2); c.-764+1G>A (NM_001353961.2).
Identifiers: ClinVar variation 449097 (VCV000449097.15), dbSNP rs794726749, ClinGen allele CA349068219.

ClinVar aggregate classification (germline): Pathogenic. Review status: criteria provided, multiple submitters, no conflicts (2 of 4 stars). 2 submissions from 2 submitters: Pathogenic (2). Last evaluated 2026-08-28.

Conditions:
Early-infantile DEE. Also called: Early infantile epileptic encephalopathy with suppression bursts; Early infantile epileptic encephalopathy; Ohtahara syndrome. Identifiers: Orphanet 1934, MedGen C0393706, MONDO:0800491.

Submissions (2):

GeneDx
Classification: Pathogenic. Last evaluated: 2026-08-28. Review status: criteria provided, single submitter. Criteria: GeneDx Variant Classification Process June 2021. Collection method: clinical testing. Allele origin: germline.
Comment: Has not been previously published as pathogenic or benign to our knowledge; Canonical splice site variant predicted to result in an in-frame loss of the adjacent exon in a gene for which loss of function is a known mechanism of disease; Deletions involving coding exons of this gene are a known mechanism of disease (HGMD); Lost residues are within the cytoplasmic loop between the first and second homologous domains; Not observed at significant frequency in large population cohorts (gnomAD); This variant is associated with the following publications: (PMID: 17054684)

Labcorp Genetics (formerly Invitae), Labcorp
Classification: Pathogenic for Early-infantile DEE. Last evaluated: 2022-08-27. Review status: criteria provided, single submitter. Criteria: Invitae Variant Classification Sherloc (09022015). Collection method: clinical testing. Allele origin: germline.
Comment: ClinVar contains an entry for this variant (Variation ID: 449097). For these reasons, this variant has been classified as Pathogenic. Algorithms developed to predict the effect of sequence changes on RNA splicing suggest that this variant may disrupt the consensus splice site. Disruption of this splice site has been observed in individual(s) with severe myoclonic epilepsy of infancy (PMID: 17054684). In at least one individual the variant was observed to be de novo. This variant is not present in population databases (gnomAD no frequency). This sequence change affects a donor splice site in intron 10 of the SCN1A gene. It is expected to disrupt RNA splicing. Variants that disrupt the donor or acceptor splice site typically lead to a loss of protein function (PMID: 16199547), and loss-of-function variants in SCN1A are known to be pathogenic (PMID: 17347258, 18930999).

Literature cited by the submitters: PubMed 17054684 (cited by Labcorp Genetics (formerly Invitae), Labcorp); PubMed 16199547 (cited by Labcorp Genetics (formerly Invitae), Labcorp); PubMed 17347258 (cited by Labcorp Genetics (formerly Invitae), Labcorp); PubMed 18930999 (cited by Labcorp Genetics (formerly Invitae), Labcorp).